The following is an entry in ClinVar:

NM_054027.6(ANKH):c.717C>A (p.Ser239Arg)

Gene: ANKH (ANKH inorganic pyrophosphate transport regulator; minus strand). Cytogenetic location: 5p15.2.
Variant type: single nucleotide variant.
Coding change: c.717C>A on transcript NM_054027.6 (MANE Select); coding-DNA position 717, C replaced by A.
Protein change: p.Ser239Arg; replaces serine 239 with arginine.
Molecular consequence: missense variant.
Genome position (GRCh38, 1-based): chr5:14,749,277, G>T on the plus strand (C>A on the coding strand, the complement: ANKH is on the minus strand). VCF-style: chr5-14749277-G-T. GRCh37 (hg19) VCF-style: chr5-14749386-G-T.
Other names: short protein forms S239R.
Identifiers: ClinVar variation 3766252 (VCV003766252.1).

ClinVar aggregate classification (germline): Uncertain significance (1 of 4 stars; one submission).

Submission:

GeneDx
Classification: Uncertain significance. Last evaluated: 2024-08-23. Review status: criteria provided, single submitter. Criteria: GeneDx Variant Classification Process June 2021. Collection method: clinical testing. Allele origin: germline. Affected: yes.
Comment: Not observed at significant frequency in large population cohorts (gnomAD); In silico analysis indicates that this missense variant does not alter protein structure/function; Has not been previously published as pathogenic or benign to our knowledge